The following is an entry in ClinVar:

NM_001267550.2(TTN):c.45451C>T (p.Gln15151Ter)

Genes: TTN (titin; minus strand), LOC126806427 (BRD4-independent group 4 enhancer GRCh37_chr2:179485777-179486976; plus strand). Cytogenetic location: 2q31.2.
Variant type: single nucleotide variant.
Coding change: c.45451C>T on transcript NM_001267550.2 (MANE Select); coding-DNA position 45451, C replaced by T.
Protein change: p.Gln15151Ter; replaces glutamine 15151 with a stop codon.
Molecular consequence: nonsense.
Genome position (GRCh38, 1-based): chr2:178,621,267, G>A on the plus strand (C>T on the coding strand, the complement: TTN is on the minus strand). VCF-style: chr2-178621267-G-A. GRCh37 (hg19) VCF-style: chr2-179485994-G-A.
Other names: c.40528C>T, p.Gln13510Ter (NM_001256850.1); c.18256C>T, p.Gln6086Ter (NM_003319.4); c.37747C>T, p.Gln12583Ter (NM_133378.4); c.18631C>T, p.Gln6211Ter (NM_133432.3); c.18832C>T, p.Gln6278Ter (NM_133437.4); short protein forms Q12583*, Q13510*, Q15151*, Q6086*, Q6211*, Q6278*.
Identifiers: ClinVar variation 3753019 (VCV003753019.2).

ClinVar aggregate classification (germline): Likely pathogenic (1 of 4 stars; one submission).

Conditions:
Autosomal recessive limb-girdle muscular dystrophy type 2J (LGMDR10). Also called: Limb-girdle muscular dystrophy, type 2J; MUSCULAR DYSTROPHY, LIMB-GIRDLE, AUTOSOMAL RECESSIVE 10. Identifiers: Orphanet 140922, MedGen C1837342, MONDO:0012127, OMIM 608807.
Dilated cardiomyopathy 1G (CMD1G). Identifiers: Orphanet 154, MedGen C1858763, MONDO:0011400, OMIM 604145.

Submission:

Labcorp Genetics (formerly Invitae), Labcorp
Classification: Likely pathogenic for Dilated cardiomyopathy 1G; Autosomal recessive limb-girdle muscular dystrophy type 2J. Last evaluated: 2025-01-23. Review status: criteria provided, single submitter. Criteria: Invitae Variant Classification Sherloc (09022015). Collection method: clinical testing. Allele origin: germline.
Comment: This sequence change creates a premature translational stop signal (p.Gln15151*) in the TTN gene. While this is not anticipated to result in nonsense mediated decay, it is expected to create a truncated TTN protein. This variant is not present in population databases (gnomAD no frequency). This variant has not been reported in the literature in individuals affected with TTN-related conditions. This variant is located in the I band of TTN (PMID: 25589632). Truncating variants in this region have been reported in individuals affected with autosomal recessive centronuclear myopathy (PMID: 23975875, internal data). Truncating variants in this region have also been identified in individuals affected with autosomal dominant dilated cardiomyopathy and/or cardio-related conditions (PMID: 27869827, 32964742, internal data). In summary, the currently available evidence indicates that the variant is pathogenic, but additional data are needed to prove that conclusively. Therefore, this variant has been classified as Likely Pathogenic.

Literature cited by the submitters: PubMed 25589632; PubMed 23975875; PubMed 27869827; PubMed 32964742.